The following is an entry in ClinVar:

NM_002474.3(MYH11):c.5628T>A (p.Asn1876Lys)

Genes: MYH11 (myosin heavy chain 11; minus strand), NDE1 (nudE neurodevelopment protein 1; plus strand). Cytogenetic location: 16p13.11.
Variant type: single nucleotide variant.
Coding change: c.5628T>A on transcript NM_002474.3 (MANE Select); coding-DNA position 5628, T replaced by A.
Protein change: p.Asn1876Lys; replaces asparagine 1876 with lysine.
Molecular consequence: missense variant. On other transcripts: intron variant (2).
Genome position (GRCh38, 1-based): chr16:15,715,067, A>T on the plus strand (T>A on the coding strand, the complement: MYH11 is on the minus strand). VCF-style: chr16-15715067-A-T. GRCh37 (hg19) VCF-style: chr16-15808924-A-T.
Other names: c.5649T>A, p.Asn1883Lys (NM_001040113.2, NM_001040114.2); c.5628T>A, p.Asn1876Lys (NM_022844.3); c.948-9124A>T (NM_001143979.2, NM_017668.3); c.5628T>A (NM_002474.2); short protein forms N1876K, N1883K.
Identifiers: ClinVar variation 1015991 (VCV001015991.12), dbSNP rs769802444, ClinGen allele CA7921180.

ClinVar aggregate classification (germline): Conflicting classifications of pathogenicity. Review status: criteria provided, conflicting classifications (1 of 4 stars). 5 submissions from 5 submitters: Uncertain significance (4); Likely benign (1). Last evaluated 2026-07-06.

Conditions:
Aortic aneurysm, familial thoracic 4 (AAT4). Also called: AORTIC ANEURYSM/AORTIC DISSECTION AND PATENT DUCTUS ARTERIOSUS. Identifiers: MedGen C1851504, MONDO:0007568, OMIM 132900.
Megacystis-microcolon-intestinal hypoperistalsis syndrome 2. Identifiers: MedGen C5543476, MONDO:0025708, OMIM 619351.
Visceral myopathy 2. Identifiers: MedGen C5543466, MONDO:0859157, OMIM 619350.
Familial thoracic aortic aneurysm and aortic dissection (TAAD). Also called: Thoracic aortic aneurysms and dissections. Identifiers: Orphanet 91387, MedGen C4707243, MONDO:0019625.

Allele frequency attached by ClinVar (database versions not stated): gnomAD exomes 0.00001; ExAC 0.00002.
gnomAD v4.1: 3 of 1,599,146 alleles (0.00019%); highest among the groups gnomAD compares: Admixed American, 0.005%; no homozygotes.

Submissions (5):

Ambry Genetics
Classification: Uncertain significance for Familial thoracic aortic aneurysm and aortic dissection. Last evaluated: 2026-07-06. Review status: criteria provided, single submitter. Criteria: Ambry Variant Classification Scheme 2023. Collection method: clinical testing. Allele origin: germline.
Comment: The p.N1876K variant (also known as c.5628T>A), located in coding exon 39 of the MYH11 gene, results from a T to A substitution at nucleotide position 5628. The asparagine at codon 1876 is replaced by lysine, an amino acid with similar properties. This amino acid position is conserved. In addition, this alteration is predicted to be tolerated by in silico analysis. Based on the available evidence, the clinical significance of this variant remains unclear.

Color Diagnostics, LLC DBA Color Health
Classification: Likely benign for Familial thoracic aortic aneurysm and aortic dissection. Last evaluated: 2025-03-03. Review status: criteria provided, single submitter. Criteria: ACMG Guidelines, 2015. Collection method: clinical testing. Allele origin: germline.

Labcorp Genetics (formerly Invitae), Labcorp
Classification: Uncertain significance for Aortic aneurysm, familial thoracic 4. Last evaluated: 2024-03-06. Review status: criteria provided, single submitter. Criteria: Invitae Variant Classification Sherloc (09022015). Collection method: clinical testing. Allele origin: germline.
Comment: This sequence change replaces asparagine, which is neutral and polar, with lysine, which is basic and polar, at codon 1883 of the MYH11 protein (p.Asn1883Lys). This variant is present in population databases (rs769802444, gnomAD 0.006%). This variant has not been reported in the literature in individuals affected with MYH11-related conditions. ClinVar contains an entry for this variant (Variation ID: 1015991). Advanced modeling of protein sequence and biophysical properties (such as structural, functional, and spatial information, amino acid conservation, physicochemical variation, residue mobility, and thermodynamic stability) performed at Invitae indicates that this missense variant is not expected to disrupt MYH11 protein function with a negative predictive value of 95%. In summary, the available evidence is currently insufficient to determine the role of this variant in disease. Therefore, it has been classified as a Variant of Uncertain Significance.

All of Us Research Program, National Institutes of Health
Classification: Uncertain significance for Familial thoracic aortic aneurysm and aortic dissection. Last evaluated: 2023-05-15. Review status: criteria provided, single submitter. Criteria: ACMG Guidelines, 2015. Collection method: clinical testing. Allele origin: germline. Inheritance: Autosomal dominant inheritance. Observed: 1 variant allele, 1 heterozygote.
Comment: This missense variant replaces asparagine with lysine at codon 1883 of the MYH11 protein. Computational prediction suggests that this variant may not impact protein structure and function (internally defined REVEL score threshold <= 0.5, PMID: 27666373). To our knowledge, functional studies have not been reported for this variant. This variant has not been reported in individuals affected with MYH11-related disorders in the literature. This variant has been identified in 2/250858 chromosomes in the general population by the Genome Aggregation Database (gnomAD). The available evidence is insufficient to determine the role of this variant in disease conclusively. Therefore, this variant is classified as a Variant of Uncertain Significance.

This study involves interpretation of variants in research participants for the purpose of population health screening. Participant phenotype was not available at the time of variant classification. Additional details can be found in publication PMID: 35346344, PMCID: PMC8962531

Fulgent Genetics
Classification: Uncertain significance for Aortic aneurysm, familial thoracic 4; Visceral myopathy 2; Megacystis-microcolon-intestinal hypoperistalsis syndrome 2. Last evaluated: 2021-10-08. Review status: criteria provided, single submitter. Criteria: ACMG Guidelines, 2015. Collection method: clinical testing. Allele origin: unknown.